The following is an entry in ClinVar:

NM_000334.4(SCN4A):c.1299G>A (p.Leu433=)

Gene: SCN4A (sodium voltage-gated channel alpha subunit 4; minus strand). Cytogenetic location: 17q23.3.
Variant type: single nucleotide variant.
Coding change: c.1299G>A on transcript NM_000334.4 (MANE Select); coding-DNA position 1299, G replaced by A.
Protein change: p.Leu433=; no amino-acid change (leucine 433 retained).
Molecular consequence: synonymous variant.
Genome position (GRCh38, 1-based): chr17:63,964,621, C>T on the plus strand (G>A on the coding strand, the complement: SCN4A is on the minus strand). VCF-style: chr17-63964621-C-T. GRCh37 (hg19) VCF-style: chr17-62041981-C-T.
Other names: p.Leu433=.
Identifiers: ClinVar variation 646209 (VCV000646209.15), dbSNP rs759176062, ClinGen allele CA8709872.
Genomic context (GRCh38, chr17:63,964,621, plus strand): 5'-CTGCTCGGCATATGCCATGGCCACCACGGCCAGGATCAGATTGATGAGGTAGAAAGAGCC[C>T]AGGAAGATGATGACCACGAAGAAGATCATGTAGGTCTTGCCAGCTGCTCGAAGGGTCTGG-3'
Protein context (NP_000325.4, residues 423-443): YMIFFVVIIF[Leu433=]GSFYLINLIL

ClinVar aggregate classification (germline): Uncertain significance. Review status: criteria provided, multiple submitters, no conflicts (2 of 4 stars). 8 submissions from 4 submitters: Uncertain significance (8). Last evaluated 2025-05-22.

Conditions:
Potassium-aggravated myotonia. Also called: MYOTONIA CONGENITA, ACETAZOLAMIDE-RESPONSIVE; MYOTONIA CONGENITA, ATYPICAL; SODIUM CHANNEL MUSCLE DISEASE; Myotonia congenita, atypical, acetazolamide-responsive. Identifiers: Orphanet 612, Orphanet 99734, Orphanet 99735, Orphanet 99736, MedGen C2931826, MONDO:0018959, OMIM 608390.
Hypokalemic periodic paralysis, type 2 (HOKPP2). Identifiers: Orphanet 681, MedGen C2750061, MONDO:0013234, OMIM 613345.
Paramyotonia congenita of Von Eulenburg. Also called: PARALYSIS PERIODICA PARAMYOTONICA; Paramyotonia Congenita; Eulenburg disease; Myotonia congenita intermittens; Von Eulenburg paramyotonia congenita. Identifiers: Orphanet 684, MedGen C0221055, MONDO:0008195, OMIM 168300. Disease mechanism: loss of function.
Hyperkalemic periodic paralysis. Also called: Familial hyperkalemic periodic paralysis; Gamstorp disease. Identifiers: Orphanet 682, MedGen C0238357, MONDO:0008224, OMIM 170500, HP:0007215.
Congenital myasthenic syndrome 16. Identifiers: Orphanet 590, MedGen C3280112, MONDO:0013620, OMIM 614198.
Congenital myopathy 22A, classic (CMYO22A). Identifiers: MedGen C5830453, MONDO:0957247, OMIM 620351.
Congenital myopathy 22B, severe fetal (CMYO22B). Identifiers: MedGen C5830501, MONDO:0957265, OMIM 620369.

Allele frequency attached by ClinVar (database versions not stated): ExAC 0.00001; gnomAD exomes 0.00002 and 0.00001; TOPMed 0.00002.
gnomAD v4.1: 25 of 1,613,184 alleles (0.0015%); highest among the groups gnomAD compares: Non-Finnish European, 0.0019%; no homozygotes.

Submissions (8):

Mayo Clinic Laboratories, Mayo Clinic
Classification: Uncertain significance. Last evaluated: 2025-05-22. Review status: criteria provided, single submitter. Criteria: ACMG Guidelines, 2015. Collection method: clinical testing. Allele origin: germline. Observed: 1 variant allele.
Comment: PP3

Fulgent Genetics
Classification: Uncertain significance for Paramyotonia congenita of Von Eulenburg; Hyperkalemic periodic paralysis; Potassium-aggravated myotonia; Hypokalemic periodic paralysis, type 2; Congenital myasthenic syndrome 16; Congenital myopathy 22A, classic; Congenital myopathy 22B, severe fetal. Last evaluated: 2024-05-03. Review status: criteria provided, single submitter. Criteria: ACMG Guidelines, 2015. Collection method: clinical testing. Allele origin: germline.

Labcorp Genetics (formerly Invitae), Labcorp
Classification: Uncertain significance for Hyperkalemic periodic paralysis. Last evaluated: 2022-06-04. Review status: criteria provided, single submitter. Criteria: Invitae Variant Classification Sherloc (09022015). Collection method: clinical testing. Allele origin: germline.
Comment: This sequence change affects codon 433 of the SCN4A mRNA. It is a 'silent' change, meaning that it does not change the encoded amino acid sequence of the SCN4A protein. This variant is present in population databases (rs759176062, gnomAD 0.003%). This variant has not been reported in the literature in individuals affected with SCN4A-related conditions. ClinVar contains an entry for this variant (Variation ID: 646209). Algorithms developed to predict the effect of sequence changes on RNA splicing suggest that this variant may create or strengthen a splice site. In summary, the available evidence is currently insufficient to determine the role of this variant in disease. Therefore, it has been classified as a Variant of Uncertain Significance.

Illumina Laboratory Services, Illumina
Classification: Uncertain significance for Hypokalemic periodic paralysis, type 2. Last evaluated: 2018-01-12. Review status: criteria provided, single submitter. Criteria: ICSL Variant Classification Criteria 13 December 2019. Collection method: clinical testing. Allele origin: germline.

Illumina Laboratory Services, Illumina
Classification: Uncertain significance for Potassium-aggravated myotonia. Last evaluated: 2018-01-12. Review status: criteria provided, single submitter. Criteria: ICSL Variant Classification Criteria 13 December 2019. Collection method: clinical testing. Allele origin: germline.

Illumina Laboratory Services, Illumina
Classification: Uncertain significance for Hyperkalemic periodic paralysis. Last evaluated: 2018-01-12. Review status: criteria provided, single submitter. Criteria: ICSL Variant Classification Criteria 13 December 2019. Collection method: clinical testing. Allele origin: germline.

Illumina Laboratory Services, Illumina
Classification: Uncertain significance for Paramyotonia congenita of Von Eulenburg. Last evaluated: 2018-01-12. Review status: criteria provided, single submitter. Criteria: ICSL Variant Classification Criteria 13 December 2019. Collection method: clinical testing. Allele origin: germline.

Illumina Laboratory Services, Illumina
Classification: Uncertain significance for Congenital myasthenic syndrome 16. Last evaluated: 2018-01-12. Review status: criteria provided, single submitter. Criteria: ICSL Variant Classification Criteria 13 December 2019. Collection method: clinical testing. Allele origin: germline.